The following is an entry in ClinVar:

ClinVar aggregate classification (germline): Uncertain significance (1 of 4 stars; one submission).

gnomAD v4.1: 1 of 1,613,840 alleles (0.000062%); highest among the groups gnomAD compares: Non-Finnish European, 0.000085%; no homozygotes.

Submission:

GeneDx
Classification: Uncertain significance. Last evaluated: 2025-07-16. Review status: criteria provided, single submitter. Criteria: GeneDx Variant Classification Process June 2021. Collection method: clinical testing. Allele origin: germline. Affected: yes.
Comment: Not observed at significant frequency in large population cohorts (gnomAD); In silico analysis supports that this missense variant has a deleterious effect on protein structure/function; In addition, in silico splice predictors suggest this variant may lead to abnormal gene splicing; Has not been previously published as pathogenic or benign to our knowledge

NM_014633.5(CTR9):c.323A>T (p.Asp108Val)

Gene: CTR9 (CTR9 component of Paf1/RNA polymerase II complex; plus strand). Cytogenetic location: 11p15.4.
Variant type: single nucleotide variant.
Coding change: c.323A>T on transcript NM_014633.5 (MANE Select); coding-DNA position 323, A replaced by T.
Protein change: p.Asp108Val; replaces aspartic acid 108 with valine.
Molecular consequence: missense variant.
Genome position (GRCh38, 1-based): chr11:10,755,136, A>T. VCF-style: chr11-10755136-A-T. GRCh37 (hg19) VCF-style: chr11-10776683-A-T.
Other names: c.323A>T, p.Asp108Val (NM_001346279.2); short protein forms D108V.
Identifiers: ClinVar variation 4686494 (VCV004686494.1).